The following is an entry in ClinVar:

ClinVar aggregate classification (germline): Likely pathogenic (1 of 4 stars; one submission).

Allele frequency attached by ClinVar (database versions not stated): TOPMed below 0.00001.

Submission:

Labcorp Genetics (formerly Invitae), Labcorp
Classification: Likely pathogenic. Last evaluated: 2022-08-23. Review status: criteria provided, single submitter. Criteria: Invitae Variant Classification Sherloc (09022015). Collection method: clinical testing. Allele origin: germline.
Comment: In summary, the currently available evidence indicates that the variant is pathogenic, but additional data are needed to prove that conclusively. Therefore, this variant has been classified as Likely Pathogenic. Algorithms developed to predict the effect of sequence changes on RNA splicing suggest that this variant may disrupt the consensus splice site. ClinVar contains an entry for this variant (Variation ID: 1465914). This variant has not been reported in the literature in individuals affected with MTTP-related conditions. This variant is not present in population databases (gnomAD no frequency). This sequence change affects a donor splice site in intron 15 of the MTTP gene. It is expected to disrupt RNA splicing. Variants that disrupt the donor or acceptor splice site typically lead to a loss of protein function (PMID: 16199547), and loss-of-function variants in MTTP are known to be pathogenic (PMID: 8533758, 9671739).

Literature cited by the submitters: PubMed 16199547; PubMed 8533758; PubMed 9671739.

NM_001386140.1(MTTP):c.1989+1G>A

Gene: MTTP (microsomal triglyceride transfer protein; plus strand). Cytogenetic location: 4q23.
Variant type: single nucleotide variant.
Coding change: c.1989+1G>A on transcript NM_001386140.1 (MANE Select); the canonical splice donor site of the intron after coding-DNA position 1989, G replaced by A.
Molecular consequence: splice donor variant.
Genome position (GRCh38, 1-based): chr4:99,611,454, G>A. VCF-style: chr4-99611454-G-A. GRCh37 (hg19) VCF-style: chr4-100532611-G-A.
Other names: c.1989+1G>A (NM_000253.4); c.1740+1G>A (NM_001300785.2).
Identifiers: ClinVar variation 1465914 (VCV001465914.6), dbSNP rs1725955180, ClinGen allele CA357516223.
Genomic context (GRCh38, chr4:99,611,454, plus strand): 5'-AGGAGAAGTAACCTGAACATCTTTCAGTACATTGGGAAGGCTGGTCTTCACGGTAGCCAG[G>A]TAACTCACTTCTCATGGATTTTGCTTAATAAAGTATGCAAGAAATCAGGCTGAGGTAAAA-3'